The following is an entry in ClinVar:

ClinVar aggregate classification (germline): Pathogenic/Likely pathogenic. Review status: criteria provided, multiple submitters, no conflicts (2 of 4 stars). 3 submissions from 3 submitters: Pathogenic (2); Likely pathogenic (1). Last evaluated 2026-02-05.

Conditions:
CEP290-related ciliopathy. Also called: CEP290 ciliopathy. Identifiers: MedGen CN305601, MONDO:0100451.
Meckel-Gruber syndrome. Also called: Dysencephalia splachnocystica; DYSENCEPHALIA SPLANCHNOCYSTICA; GRUBER SYNDROME. Identifiers: Orphanet 564, MedGen C0265215, MONDO:0018921.
Nephronophthisis. Also called: Juvenile Nephronophthisis. Identifiers: Orphanet 655, MedGen C0687120, MONDO:0019005, HP:0000090.
Joubert syndrome. Also called: JOUBERT-BOLTSHAUSER SYNDROME; Familial aplasia of the vermis. Identifiers: Orphanet 475, MedGen C5979921, MONDO:0018772.
Bardet-Biedl syndrome 14 (BBS14). Identifiers: Orphanet 110, MedGen C2673874, MONDO:0014442, OMIM 615991.

Submissions (3):

Myriad Genetics, Inc.
Classification: Pathogenic for CEP290-related ciliopathy. Last evaluated: 2026-02-05. Review status: criteria provided, single submitter. Criteria: Myriad Autosomal Dominant, Autosomal Recessive and X-Linked Classification Criteria (2023). Collection method: clinical testing. Allele origin: unknown.
Comment: NM_025114.3(CEP290):c.4985_4986delTA(V1662Efs*4) is expected to be pathogenic in the context of CEP290-related disorders. This variant is predicted to lead to an abnormal or absent protein product due to the creation of a premature termination codon in CEP290, a gene where loss-of-function variants are known to be pathogenic. Please note: this variant was assessed in the context of healthy population screening.

Baylor Genetics
Classification: Likely pathogenic for Bardet-Biedl syndrome 14. Last evaluated: 2023-09-26. Review status: criteria provided, single submitter. Criteria: ACMG Guidelines, 2015. Collection method: clinical testing. Allele origin: unknown.

Labcorp Genetics (formerly Invitae), Labcorp
Classification: Pathogenic for Joubert syndrome; Meckel-Gruber syndrome; Nephronophthisis. Last evaluated: 2019-10-04. Review status: criteria provided, single submitter. Criteria: Invitae Variant Classification Sherloc (09022015). Collection method: clinical testing. Allele origin: germline.
Comment: This sequence change creates a premature translational stop signal (p.Val1662Glufs*4) in the CEP290 gene. It is expected to result in an absent or disrupted protein product. This variant is not present in population databases (ExAC no frequency). This variant has not been reported in the literature in individuals with CEP290-related conditions. Loss-of-function variants in CEP290 are known to be pathogenic (PMID: 16909394, 17345604, 20690115, 25377065, 28559085). For these reasons, this variant has been classified as Pathogenic.

Literature cited by the submitters: PubMed 16909394 (cited by Labcorp Genetics (formerly Invitae), Labcorp); PubMed 17345604 (cited by Labcorp Genetics (formerly Invitae), Labcorp); PubMed 20690115 (cited by Labcorp Genetics (formerly Invitae), Labcorp); PubMed 25377065 (cited by Labcorp Genetics (formerly Invitae), Labcorp); PubMed 28559085 (cited by Labcorp Genetics (formerly Invitae), Labcorp).

NM_025114.4(CEP290):c.4985_4986del (p.Val1662fs)

Gene: CEP290 (centrosomal protein 290; minus strand). Cytogenetic location: 12q21.32.
Variant type: Deletion.
Coding change: c.4985_4986del on transcript NM_025114.4 (MANE Select); coding-DNA positions 4985 to 4986, 2 bases deleted (TA; older notation c.4985_4986delTA).
Protein change: p.Val1662fs; shifts the reading frame from valine 1662.
Molecular consequence: frameshift variant.
Genome position (GRCh38, 1-based): chr12:88,083,057-88,083,058, TA deleted on the plus strand (TA on the coding strand, the reverse complement: CEP290 is on the minus strand). VCF-style (leftmost placement, unchanged base first): chr12-88083056-TTA-T. GRCh37 (hg19) VCF-style: chr12-88476833-TTA-T.
Other names: short protein forms V1662fs.
Identifiers: ClinVar variation 955127 (VCV000955127.10), dbSNP rs2036306894, ClinGen allele CA1139662797.